The following is an entry in ClinVar:

NM_001105206.3(LAMA4):c.4822-3C>T

Gene: LAMA4 (laminin subunit alpha 4; minus strand). Cytogenetic location: 6q21.
Variant type: single nucleotide variant.
Coding change: c.4822-3C>T on transcript NM_001105206.3 (MANE Select); 3 bases into the intron before coding-DNA position 4822, C replaced by T.
Molecular consequence: intron variant.
Genome position (GRCh38, 1-based): chr6:112,117,901, G>A on the plus strand (C>T on the coding strand, the complement: LAMA4 is on the minus strand). VCF-style: chr6-112117901-G-A. GRCh37 (hg19) VCF-style: chr6-112439104-G-A.
Other names: c.4801-3C>T (NM_002290.5, NM_001105207.3); c.4822-3C>T (NM_001105206.2).
Identifiers: ClinVar variation 44397 (VCV000044397.28), dbSNP rs191447048, ClinGen allele CA282396.

ClinVar aggregate classification (germline): Benign/Likely benign. Review status: criteria provided, multiple submitters, no conflicts (2 of 4 stars). 8 submissions from 8 submitters: Benign (2); Likely benign (6). Last evaluated 2026-02-03.

Conditions:
LAMA4-related disorder. Also called: LAMA4-related condition.
Cardiovascular phenotype. Identifiers: MedGen CN230736.
Dilated cardiomyopathy 1JJ (CMD1JJ). Identifiers: Orphanet 154, MedGen C3808935, MONDO:0014095, OMIM 615235.

Allele frequency attached by ClinVar (database versions not stated): gnomAD exomes 0.00044 and 0.00017; ExAC 0.00050; 1000 Genomes Project 30x 0.00062; 1000 Genomes Project 0.00080; gnomAD 0.00139 and 0.00151; TOPMed 0.00156; ESP Exome Variant Server 0.00231.
gnomAD v4.1: 466 of 1,612,568 alleles (0.029%); highest among the groups gnomAD compares: African/African-American, 0.45%; 1 homozygote.

Submissions (9):

Labcorp Genetics (formerly Invitae), Labcorp
Classification: Benign for Dilated cardiomyopathy 1JJ. Last evaluated: 2026-02-03. Review status: criteria provided, single submitter. Criteria: Invitae Variant Classification Sherloc (09022015). Collection method: clinical testing. Allele origin: germline.

PreventionGenetics, part of Exact Sciences
Classification: Likely benign for LAMA4-related condition. Last evaluated: 2024-10-10. Review status: criteria provided, single submitter. Criteria: ACMG Guidelines, 2015. Collection method: clinical testing. Allele origin: germline.
Comment: This variant is classified as likely benign based on ACMG/AMP sequence variant interpretation guidelines (Richards et al. 2015 PMID: 25741868, with internal and published modifications).

Women's Health and Genetics/Laboratory Corporation of America, LabCorp
Classification: Benign. Last evaluated: 2023-04-10. Review status: criteria provided, single submitter. Criteria: LabCorp Variant Classification Summary - May 2015. Collection method: clinical testing. Allele origin: germline.

GeneDx
Classification: Likely benign. Last evaluated: 2021-10-12. Review status: criteria provided, single submitter. Criteria: GeneDx Variant Classification Process June 2021. Collection method: clinical testing. Allele origin: germline. Affected: yes.

Fulgent Genetics
Classification: Likely benign for Dilated cardiomyopathy 1JJ. Last evaluated: 2021-07-30. Review status: criteria provided, single submitter. Criteria: ACMG Guidelines, 2015. Collection method: clinical testing. Allele origin: unknown.

Ambry Genetics
Classification: Likely benign for Cardiovascular phenotype. Last evaluated: 2018-12-04. Review status: criteria provided, single submitter. Criteria: Ambry General Variant Classification Scheme_2022. Collection method: clinical testing. Allele origin: germline. Observed: 1 variant allele.

Eurofins Ntd Llc (ga)
Classification: Likely benign. Last evaluated: 2016-10-14. Review status: criteria provided, single submitter. Criteria: EGL Classification Definitions 2015. Collection method: clinical testing. Allele origin: germline. Observed: 1 variant allele, 1 heterozygote.

Laboratory for Molecular Medicine, Mass General Brigham Personalized Medicine
Classification: Likely benign. Last evaluated: 2015-05-06. Review status: criteria provided, single submitter. Criteria: LMM Criteria. Collection method: clinical testing. Allele origin: germline. Observed: 3 variant alleles.
Comment: c.4801-3C>T in intron 34 of LAMA4: This variant is not expected to have clinical significance because it has been identified in 0.5% (54/10374) of African chrom osomes by the Exome Aggregation Consortium (ExAC ; dbSNP rs191447048).

Dr. Peter K. Rogan Lab, Western University
No classification provided (evidence only). Condition: Cervical cancer. Review status: no classification provided. Collection method: in vitro. Allele origin: not applicable. Functional consequence: retained intron. Not counted in ClinVar's aggregate classification.